The following is an entry in ClinVar:

NM_003742.4(ABCB11):c.908+5G>A

Gene: ABCB11 (ATP binding cassette subfamily B member 11; minus strand). Cytogenetic location: 2q31.1.
Variant type: single nucleotide variant.
Coding change: c.908+5G>A on transcript NM_003742.4 (MANE Select); 5 bases into the intron after coding-DNA position 908, G replaced by A.
Molecular consequence: intron variant.
Genome position (GRCh38, 1-based): chr2:168,990,796, C>T on the plus strand (G>A on the coding strand, the complement: ABCB11 is on the minus strand). VCF-style: chr2-168990796-C-T. GRCh37 (hg19) VCF-style: chr2-169847306-C-T.
Other names: c.908+5G>A (LRG_1199t1).
Identifiers: ClinVar variation 596708 (VCV000596708.6), dbSNP rs1558912626, ClinGen allele CA913189524.

ClinVar aggregate classification (germline): Conflicting classifications of pathogenicity. Review status: criteria provided, conflicting classifications (1 of 4 stars). 2 submissions from 2 submitters: Likely pathogenic (1); Uncertain significance (1). Last evaluated 2026-04-14.

Conditions:
Familial intrahepatic cholestasis. Identifiers: Orphanet 284385, MedGen CN296401, MONDO:0017290.

Submissions (2):

Genomenon, Inc
Classification: Likely pathogenic for Familial intrahepatic cholestasis. Last evaluated: 2026-04-14. Review status: criteria provided, single submitter. Criteria: Genomenon Sequence Variant Interpretation Standards - Updated. Collection method: curation. Allele origin: germline. Affected: yes.
Comment: ABCB11 c.908+5G>A is an intronic variant located in the donor splice region of intron 9. This variant has been observed in at least one proband with an ABCB11-related disorder (PMID:29316097). It has been observed in trans with a pathogenic or likely pathogenic variant (PMID:29316097). At least one splicing study has demonstrated that this variant results in aberrant splicing (PMID:29316097). It is absent or not present at a significant frequency in gnomAD. In conclusion, we classify ABCB11 c.908+5G>A as a likely pathogenic variant.

Eurofins Ntd Llc (ga)
Classification: Uncertain significance. Last evaluated: 2018-04-02. Review status: criteria provided, single submitter. Criteria: EGL ClinVar v180209 classification definitions. Collection method: clinical testing. Allele origin: germline. Observed: 1 variant allele, 1 heterozygote.

Literature cited by the submitters: PubMed 29316097 (cited by Genomenon, Inc).